The following is an entry in ClinVar:

NM_004360.5(CDH1):c.2265T>C (p.Tyr755=)

Gene: CDH1 (cadherin 1; plus strand). Cytogenetic location: 16q22.1.
Variant type: single nucleotide variant.
Coding change: c.2265T>C on transcript NM_004360.5 (MANE Select); coding-DNA position 2265, T replaced by C.
Protein change: p.Tyr755=; no amino-acid change (tyrosine 755 retained).
Molecular consequence: synonymous variant.
Genome position (GRCh38, 1-based): chr16:68,828,274, T>C. VCF-style: chr16-68828274-T-C. GRCh37 (hg19) VCF-style: chr16-68862177-T-C.
Other names: c.2265T>C (LRG_301t1); c.2082T>C, p.Tyr694= (NM_001317184.2); c.717T>C, p.Tyr239= (NM_001317185.2); c.300T>C, p.Tyr100= (NM_001317186.2).
Identifiers: ClinVar variation 231077 (VCV000231077.15), dbSNP rs876658944, ClinGen allele CA10580153.

ClinVar aggregate classification (germline): Likely benign. Review status: criteria provided, multiple submitters, no conflicts (2 of 4 stars). 4 submissions from 4 submitters: Likely benign (4). Last evaluated 2024-07-29.

Conditions:
Hereditary cancer-predisposing syndrome. Also called: Hereditary Cancer Syndrome; Neoplastic Syndromes, Hereditary; Tumor predisposition; Hereditary neoplastic syndrome. Identifiers: Orphanet 140162, MedGen C0027672, MeSH D009386, MONDO:0015356.
Hereditary diffuse gastric adenocarcinoma (HDGC). Also called: DIFFUSE GASTRIC AND LOBULAR BREAST CANCER SYNDROME. Identifiers: Orphanet 26106, MedGen C1708349, MONDO:0007648, OMIM 137215.

Submissions (4):

Color Diagnostics, LLC DBA Color Health
Classification: Likely benign for Hereditary cancer-predisposing syndrome. Last evaluated: 2024-07-29. Review status: criteria provided, single submitter. Criteria: ACMG Guidelines, 2015. Collection method: clinical testing. Allele origin: germline.

Labcorp Genetics (formerly Invitae), Labcorp
Classification: Likely benign for Hereditary diffuse gastric adenocarcinoma. Last evaluated: 2024-06-28. Review status: criteria provided, single submitter. Criteria: Invitae Variant Classification Sherloc (09022015). Collection method: clinical testing. Allele origin: germline.

GeneDx
Classification: Likely benign. Last evaluated: 2018-05-25. Review status: criteria provided, single submitter. Criteria: GeneDx Variant Classification (06012015). Collection method: clinical testing. Allele origin: germline. Affected: yes.
Comment: This variant is considered likely benign or benign based on one or more of the following criteria: it is a conservative change, it occurs at a poorly conserved position in the protein, it is predicted to be benign by multiple in silico algorithms, and/or has population frequency not consistent with disease.

Ambry Genetics
Classification: Likely benign for Hereditary cancer-predisposing syndrome. Last evaluated: 2015-03-19. Review status: criteria provided, single submitter. Criteria: Ambry Variant Classification Scheme 2023. Collection method: clinical testing. Allele origin: germline.